The following is an entry in ClinVar:

ClinVar aggregate classification (germline): Conflicting classifications of pathogenicity. Review status: criteria provided, conflicting classifications (1 of 4 stars). 3 submissions from 3 submitters: Likely pathogenic (1); Uncertain significance (2). Last evaluated 2024-11-20.

Conditions:
Hereditary breast ovarian cancer syndrome. Also called: BRCA1- and BRCA2-Associated Hereditary Breast and Ovarian Cancer; Hereditary breast and ovarian cancer syndrome (HBOC); Hereditary breast and ovarian cancer syndrome; Breast and ovarian cancer; Hereditary breast and/or ovarian cancer syndrome; Hereditary breast and ovarian cancer. Identifiers: Orphanet 145, MedGen C0677776, MeSH D061325, MONDO:0003582. Disease mechanism: loss of function.
Hereditary cancer-predisposing syndrome. Also called: Neoplastic Syndromes, Hereditary; Hereditary Cancer Syndrome; Hereditary neoplastic syndrome; Tumor predisposition. Identifiers: Orphanet 140162, MedGen C0027672, MeSH D009386, MONDO:0015356.

gnomAD v4.1: 1 of 1,614,132 alleles (0.000062%); highest among the groups gnomAD compares: Non-Finnish European, 0.000085%; no homozygotes.

Submissions (3):

Ambry Genetics
Classification: Uncertain significance for Hereditary cancer-predisposing syndrome. Last evaluated: 2024-11-20. Review status: criteria provided, single submitter. Criteria: Ambry Variant Classification Scheme 2023. Collection method: clinical testing. Allele origin: germline.
Comment: The p.V1833L variant (also known as c.5497G>T), located in coding exon 22 of the BRCA1 gene, results from a G to T substitution at nucleotide position 5497. The valine at codon 1833 is replaced by leucine, an amino acid with highly similar properties. This alteration was found to be functional in homology-directed repair and cisplatin resistance protein functional assays (Adamovich AI et al. Am J Hum Genet, 2022 Apr;109:618-630). However, another functional study reported that a different nucleotide substitution, c.5497G>C, resulting in the same amino acid change, had an intermediate impact in a high throughput genome editing haploid cell survival assay and also reported that another alteration at the same codon, p.V1833M (c.5497G>A), was non-functional (Findlay GM et al. Nature. 2018 Oct;562(7726):217-222). This amino acid position is highly conserved in available vertebrate species. In addition, this alteration is predicted to be deleterious by in silico analysis. Since supporting evidence is conflicting at this time, the clinical significance of this alteration remains unclear.

ARUP Laboratories, Molecular Genetics and Genomics, ARUP Laboratories
Classification: Uncertain significance. Last evaluated: 2023-09-13. Review status: criteria provided, single submitter. Criteria: ARUP Molecular Germline Variant Investigation Process 2024. Collection method: clinical testing. Allele origin: germline.
Comment: The BRCA1 c.5497G>T; p.Val1833Leu variant, to our knowledge, is not reported in the medical literature but is reported in ClinVar (Variation ID: 2565337). This variant is absent from the Genome Aggregation Database, indicating it is not a common polymorphism. Computational analyses predict that this variant is deleterious (REVEL: 0.771). Functional analyses of the variant protein show normal function in homology-directed repair and cisplatin resistance assays (Adamovich 2022). Additionally, another variant at this codon (c.5497G>C; p.Val1833Leu) has been found to have intermediate function in a human haploid cell survival assay, and another variant at this codon (p.Val1833Met) was non-functional (Findlay 2018). Due to conflicting information, the clinical significance of the c.5497G>T; p.Val1833Leu variant is uncertain at this time. References: Adamovich AI et al. The functional impact of BRCA1 BRCT domain variants using multiplexed DNA double-strand break repair assays. Am J Hum Genet. 2022 Apr 7;109(4):618-630. PMID: 35196514. Findlay GM et al. Accurate classification of BRCA1 variants with saturation genome editing. Nature. 2018 Oct;562(7726):217-222. PMID: 30209399.

Labcorp Genetics (formerly Invitae), Labcorp
Classification: Likely pathogenic for Hereditary breast ovarian cancer syndrome. Last evaluated: 2023-06-01. Review status: criteria provided, single submitter. Criteria: Invitae Variant Classification Sherloc (09022015). Collection method: clinical testing. Allele origin: germline.
Comment: In summary, the currently available evidence indicates that the variant is pathogenic, but additional data are needed to prove that conclusively. Therefore, this variant has been classified as Likely Pathogenic. This variant disrupts the p.Val1833 amino acid residue in BRCA1. Other variant(s) that disrupt this residue have been determined to be pathogenic (PMID: 16284991, 18992264, 20378548, 20516115, 23536787; Invitae). This suggests that this residue is clinically significant, and that variants that disrupt this residue are likely to be disease-causing. Advanced modeling of protein sequence and biophysical properties (such as structural, functional, and spatial information, amino acid conservation, physicochemical variation, residue mobility, and thermodynamic stability) performed at Invitae indicates that this missense variant is expected to disrupt BRCA1 protein function. This variant has not been reported in the literature in individuals affected with BRCA1-related conditions. This variant is not present in population databases (gnomAD no frequency). This sequence change replaces valine, which is neutral and non-polar, with leucine, which is neutral and non-polar, at codon 1833 of the BRCA1 protein (p.Val1833Leu).

Literature cited by the submitters: PubMed 30209399 (cited by Ambry Genetics); PubMed 35196514 (cited by Ambry Genetics); PubMed 16284991 (cited by Labcorp Genetics (formerly Invitae), Labcorp); PubMed 18992264 (cited by Labcorp Genetics (formerly Invitae), Labcorp); PubMed 20378548 (cited by Labcorp Genetics (formerly Invitae), Labcorp); PubMed 20516115 (cited by Labcorp Genetics (formerly Invitae), Labcorp); PubMed 23536787 (cited by Labcorp Genetics (formerly Invitae), Labcorp).

NM_007294.4(BRCA1):c.5497G>T (p.Val1833Leu)

Gene: BRCA1 (BRCA1 DNA repair associated; minus strand). Cytogenetic location: 17q21.31.
Variant type: single nucleotide variant.
Coding change: c.5497G>T on transcript NM_007294.4 (MANE Select); coding-DNA position 5497, G replaced by T.
Protein change: p.Val1833Leu; replaces valine 1833 with leucine.
Molecular consequence: missense variant. On other transcripts: 3 prime UTR variant (17).
Genome position (GRCh38, 1-based): chr17:43,045,773, C>A on the plus strand (G>T on the coding strand, the complement: BRCA1 is on the minus strand). VCF-style: chr17-43045773-C-A. GRCh37 (hg19) VCF-style: chr17-41197790-C-A.
Other names: c.*11G>T (NM_001407860.1, NM_001407861.1, NM_001408472.1 and 14 more transcripts); c.1921G>T, p.Val641Leu (NM_001408503.1, NM_001408504.1, NM_001408502.1); c.1849G>T, p.Val617Leu (NM_001408508.1); c.5296G>T, p.Val1766Leu (NM_001407862.1); c.1918G>T, p.Val640Leu (NM_001408505.1); c.5293G>T, p.Val1765Leu (NM_001407863.1); c.1861G>T, p.Val621Leu (NM_001408506.1); c.5290G>T, p.Val1764Leu (NM_001407874.1, NM_001407875.1); and 74 more; short protein forms V1679L, V1720L, V1762L, V1790L, V1805L, V1806L, V1828L, V1832L.
Identifiers: ClinVar variation 2565337 (VCV002565337.7), dbSNP rs80357268, ClinGen allele CA10590313.